The following is an entry in ClinVar:

ClinVar aggregate classification (germline): Uncertain significance. Review status: criteria provided, multiple submitters, no conflicts (2 of 4 stars). 2 submissions from 2 submitters: Uncertain significance (2). Last evaluated 2024-07-30.

Allele frequency attached by ClinVar (database versions not stated): gnomAD exomes below 0.00001.
gnomAD v4.1: 5 of 1,608,694 alleles (0.00031%); highest among the groups gnomAD compares: Non-Finnish European, 0.00042%; no homozygotes.

Submissions (2):

Labcorp Genetics (formerly Invitae), Labcorp
Classification: Uncertain significance. Last evaluated: 2024-07-30. Review status: criteria provided, single submitter. Criteria: Invitae Variant Classification Sherloc (09022015). Collection method: clinical testing. Allele origin: germline.
Comment: This sequence change replaces glycine, which is neutral and non-polar, with arginine, which is basic and polar, at codon 27 of the USB1 protein (p.Gly27Arg). The frequency data for this variant in the population databases is considered unreliable, as metrics indicate poor data quality at this position in the gnomAD database. This variant has not been reported in the literature in individuals affected with USB1-related conditions. An algorithm developed to predict the effect of missense changes on protein structure and function outputs the following: PolyPhen-2: "Benign". The arginine amino acid residue is found in multiple mammalian species, which suggests that this missense change does not adversely affect protein function. In summary, the available evidence is currently insufficient to determine the role of this variant in disease. Therefore, it has been classified as a Variant of Uncertain Significance.

Mayo Clinic Laboratories, Mayo Clinic
Classification: Uncertain significance. Last evaluated: 2022-03-09. Review status: criteria provided, single submitter. Criteria: ACMG Guidelines, 2015. Collection method: clinical testing. Allele origin: germline. Observed: 1 variant allele.
Comment: BP4

NM_024598.4(USB1):c.79G>A (p.Gly27Arg)

Genes: USB1 (U6 snRNA biogenesis phosphodiesterase 1; plus strand), LOC130059131 (ATAC-STARR-seq lymphoblastoid active region 10920; plus strand). Cytogenetic location: 16q21.
Variant type: single nucleotide variant.
Coding change: c.79G>A on transcript NM_024598.4 (MANE Select); coding-DNA position 79, G replaced by A.
Protein change: p.Gly27Arg; replaces glycine 27 with arginine.
Molecular consequence: missense variant. On other transcripts: intron variant (1).
Genome position (GRCh38, 1-based): chr16:58,001,562, G>A. VCF-style: chr16-58001562-G-A. GRCh37 (hg19) VCF-style: chr16-58035466-G-A.
Other names: p.Gly27Arg; c.79G>A, p.Gly27Arg (NM_001195302.2, NM_001204911.2, NM_001330569.2); c.-55-917G>A (NM_001330568.2); short protein forms G27R.
Identifiers: ClinVar variation 2683370 (VCV002683370.3), dbSNP rs1388664778, ClinGen allele CA396085265.